The following is an entry in ClinVar:

ClinVar aggregate classification (germline): Pathogenic/Likely pathogenic. Review status: criteria provided, multiple submitters, no conflicts (2 of 4 stars). 36 submissions from 35 submitters: Pathogenic (28); Likely pathogenic (2). 6 of the submissions do not count toward it. Last evaluated 2026-08-11.

Conditions:
RAD51C-related cancer predisposition. Identifiers: MedGen CN377762, MONDO:0700273.
RAD51D-related disorder. Also called: RAD51D-related condition.
Inherited ovarian cancer (without breast cancer).
Inherited breast cancer and ovarian cancer.
Diffuse midline glioma, H3 K27-altered. Identifiers: MedGen C5669877, MONDO:1060171.
Gastric cancer. Also called: Malignant tumor of stomach; Stomach cancer. Identifiers: MedGen C0024623, MeSH D013274, MONDO:0001056, OMIM 613659, HP:0012126.
Breast and/or ovarian cancer. Identifiers: MedGen CN221562.
Colorectal cancer. Also called: Malignant Colorectal Neoplasm; Colorectal cancer, somatic. Identifiers: MedGen C0346629, MONDO:0005575, OMIM 114500.
Hereditary cancer-predisposing syndrome. Also called: Neoplastic Syndromes, Hereditary; Hereditary Cancer Syndrome; Tumor predisposition; Hereditary neoplastic syndrome. Identifiers: Orphanet 140162, MedGen C0027672, MeSH D009386, MONDO:0015356.
Ovarian neoplasm. Also called: Neoplasm of ovary; Ovarian tumor; Ovarian Neoplasms. Identifiers: MedGen C0919267, MeSH D010051, MONDO:0021068, HP:0100615.
Breast-ovarian cancer, familial, susceptibility to, 4. Identifiers: Orphanet 145, MedGen C3280345, MONDO:0013669, OMIM 614291.
Hereditary breast ovarian cancer syndrome. Also called: Hereditary breast and ovarian cancer syndrome; Breast and ovarian cancer; BRCA1- and BRCA2-Associated Hereditary Breast and Ovarian Cancer; Hereditary breast and ovarian cancer; Hereditary breast and ovarian cancer syndrome (HBOC); Hereditary breast and/or ovarian cancer syndrome. Identifiers: Orphanet 145, MedGen C0677776, MeSH D061325, MONDO:0003582. Disease mechanism: loss of function.

Allele frequency attached by ClinVar (database versions not stated): ExAC 0.00001; gnomAD exomes 0.00001; TOPMed 0.00002; gnomAD 0.00003 and 0.00004.

Submissions 1 to 10 of 36:

Genetics Laboratory, Great Ormond Street Hospital NHS Foundation Trust, North Thames Genomic Laboratory Hub
Classification: Pathogenic for Inherited ovarian cancer (without breast cancer). Last evaluated: 2026-08-11. Review status: criteria provided, single submitter. Criteria: CanVIG RAD51CD Gene Specific V1.2. Collection method: clinical testing. Allele origin: germline. Affected: yes.
Comment: PM2_supporting, PVS1_very-strong, PM5_supporting

Genetics Laboratory, Great Ormond Street Hospital NHS Foundation Trust, North Thames Genomic Laboratory Hub
Classification: Pathogenic for Inherited breast cancer and ovarian cancer. Last evaluated: 2026-08-11. Review status: criteria provided, single submitter. Criteria: CanVIG RAD51CD Gene Specific V1.2. Collection method: clinical testing. Allele origin: germline. Affected: yes.
Comment: the same text as in the submission from Genetics Laboratory, Great Ormond Street Hospital NHS Foundation Trust, North Thames Genomic Laboratory Hub above.

Dasa
Classification: Pathogenic. Last evaluated: 2026-03-30. Review status: criteria provided, single submitter. Criteria: DASA Assertion Criteria. Collection method: clinical testing. Allele origin: germline.
Comment: NM_002878.4(RAD51D):c.694C>T (p.Arg232Ter) introduces a premature termination codon predicted to result in loss of normal protein function. Loss-of-function is an established mechanism of disease for this gene. This variant has been recurrently observed in individuals with related phenotype (PMID: 22986143; PMID: 24130102; PMID: 26057125; PMID: 26681312; PMID: 27083178). The variant is present at low frequency in population datasets. Based on the available data, this variant is classified as pathogenic.

Genomics and Molecular Medicine Service, East Genomic Laboratory Hub, NHS Genomic Medicine Service
Classification: Likely pathogenic for Inherited breast cancer and ovarian cancer. Last evaluated: 2026-02-13. Review status: criteria provided, single submitter. Criteria: ACGS Best Practice Guidelines for Variant Classification in Rare Disease 2020. Collection method: clinical testing. Allele origin: germline. Affected: yes.
Comment: PVS1,PM5_Supporting

Labcorp Genetics (formerly Invitae), Labcorp
Classification: Pathogenic for Breast-ovarian cancer, familial, susceptibility to, 4. Last evaluated: 2026-01-25. Review status: criteria provided, single submitter. Criteria: Invitae Variant Classification Sherloc (09022015). Collection method: clinical testing. Allele origin: germline.
Comment: This sequence change creates a premature translational stop signal (p.Arg232*) in the RAD51D gene. It is expected to result in an absent or disrupted protein product. Loss-of-function variants in RAD51D are known to be pathogenic (PMID: 21822267). This variant is present in population databases (rs587780104, gnomAD 0.004%). This premature translational stop signal has been observed in individual(s) with breast cancer and ovarian cancer (PMID: 22986143, 24130102, 26057125, 26681312, 27083178, 28423363). ClinVar contains an entry for this variant (Variation ID: 127893). Studies have shown that this premature translational stop signal is associated with inconclusive levels of altered splicing (internal data). For these reasons, this variant has been classified as Pathogenic.

Ambry Genetics
Classification: Pathogenic for Hereditary cancer-predisposing syndrome. Last evaluated: 2025-08-01. Review status: criteria provided, single submitter. Criteria: Ambry Variant Classification Scheme 2023. Collection method: clinical testing. Allele origin: germline.
Comment: The p.R232* pathogenic mutation (also known as c.694C>T), located in coding exon 8 of the RAD51D gene, results from a C to T substitution at nucleotide position 694. This changes the amino acid from an arginine to a stop codon within coding exon 8. This mutation has been identified in several patients diagnosed with ovarian carcinoma with a family history of breast and/or ovarian cancer (Wickramanayake A et al. Gynecol. Oncol. 2012 Dec;127:552-5; Guti&eacute;rrez-Enr&iacute;quez S et al. Int. J. Cancer. 2014 May;134:2088-97; S&aacute;nchez-Berm&uacute;dez AI et al. Eur J Med Genet 2018 Jun;61:355-361). It was also observed in two Czech women with high-grade serous adenocarcinoma diagnosed under the age of 45 with no family history of malignancy; One study has estimated ovarian cancer risk for this variant (OR 16.07, 95% of 5.12-50.46; p value <0.0001) (Suszynska M et al. J Ovarian Res, 2020 May;13:50). In addition to the clinical data presented in the literature, this alteration is expected to result in loss of function by premature protein truncation or nonsense-mediated mRNA decay. As such, this alteration is interpreted as a disease-causing mutation.

Institute of Human Genetics, University of Leipzig Medical Center
Classification: Pathogenic for Breast-ovarian cancer, familial, susceptibility to, 4. Last evaluated: 2025-07-08. Review status: criteria provided, single submitter. Criteria: ACMG Guidelines, 2015. Collection method: clinical testing. Allele origin: unknown. Inheritance: Autosomal dominant inheritance. Affected: yes.
Comment: Criteria applied: PVS1,PS4,PM2_SUP

Institute of Human Genetics, FAU Erlangen, Friedrich-Alexander-Universität Erlangen-Nürnberg
Classification: Pathogenic. Last evaluated: 2025-07-04. Review status: criteria provided, single submitter. Criteria: Hauer et al. (Genet Med. 2018). Collection method: clinical testing. Allele origin: germline. Inheritance: Unknown mechanism. Affected: yes. Observed: 1 variant allele.
Comment: This variant has been identified by standard clinical testing.

Molecular Diagnostics Laboratory, Catalan Institute of Oncology
Classification: Pathogenic for Hereditary cancer-predisposing syndrome. Last evaluated: 2025-06-18. Review status: criteria provided, single submitter. Criteria: ACMG Guidelines, 2015. Collection method: clinical testing. Allele origin: germline.
Comment: PVS1, PS4 c.694C>T, located in exon 8 of the RAD51D gene, is a nonsense variant predicted to result in loss of function by premature protein truncation or nonsense-mediated mRNA decay (PVS1). The SpliceAI algorithm predicts no significant impact on splicing. This variant is found in 4/116326 alleles, at a frequency of 0.003% in the gnomAD v2.1.1 database, European non-Finnish non-cancer dataset. It has been reported in several individuals affected with ovarian cancer (PMID: 24130102, 22986143, 26057125, 28423363, among others and internal data). A case-control study has estimated ovarian cancer risk for this variant (OR 16.07, 95% of 5.12-50.46; p value <0.0001) (PMID: 32359370)(PS4). To our knowledge, functional studies have not been performed for this variant. This variant has been reported in the ClinVar database (1x likely pathogenic, 24x pathogenic) and in the LOVD database (6x likely pathogenic, 2x Not classified). Based on currently available information, the variant c.694C>T is classified as a pathogenic variant according to ACMG guidelines.

Hereditary Cancer Laboratory, Hospital Universitario 12 de Octubre
Classification: Pathogenic for Hereditary cancer-predisposing syndrome. Last evaluated: 2025-05-05. Review status: criteria provided, single submitter. Criteria: ACMG Guidelines, 2015. Collection method: clinical testing. Allele origin: germline.
Comment: PVS1 + PM2

NM_002878.4(RAD51D):c.694C>T (p.Arg232Ter)

Genes: RAD51D (RAD51 paralog D; minus strand), RAD51L3-RFFL (RAD51L3-RFFL readthrough; minus strand). Cytogenetic location: 17q12.
Variant type: single nucleotide variant.
Coding change: c.694C>T on transcript NM_002878.4 (MANE Select); coding-DNA position 694, C replaced by T.
Protein change: p.Arg232Ter; replaces arginine 232 with a stop codon.
Molecular consequence: nonsense. On other transcripts: non-coding transcript variant (3).
Genome position (GRCh38, 1-based): chr17:35,103,298, G>A on the plus strand (C>T on the coding strand, the complement: RAD51D is on the minus strand). VCF-style: chr17-35103298-G-A. GRCh37 (hg19) VCF-style: chr17-33430317-G-A.
Other names: p.R232*:CGA>TGA; c.754C>T, p.Arg252Ter (NM_001142571.2); c.358C>T, p.Arg120Ter (NM_133629.3); short protein forms R232*, R120*, R252*.
Identifiers: ClinVar variation 127893 (VCV000127893.100), dbSNP rs587780104, ClinGen allele CA287986.